The following is an entry in ClinVar:

ClinVar aggregate classification (germline): Conflicting classifications of pathogenicity. Review status: criteria provided, conflicting classifications (1 of 4 stars). 2 submissions from 2 submitters: Uncertain significance (1); Likely benign (1). Last evaluated 2025-12-01.

Conditions:
Inborn genetic diseases. Identifiers: MedGen C0950123, MeSH D030342.

Allele frequency attached by ClinVar (database versions not stated): gnomAD 0.00066; TOPMed 0.00081; ExAC 0.00085; ESP Exome Variant Server 0.00131.

Submissions (2):

CeGaT Center for Human Genetics Tuebingen
Classification: Likely benign. Last evaluated: 2025-12-01. Review status: criteria provided, single submitter. Criteria: CeGaT Center For Human Genetics Tuebingen Variant Classification Criteria Version 2. Collection method: clinical testing. Allele origin: germline. Affected: yes. Observed: 4 variant alleles.
Comment: FLG: BP4

Ambry Genetics
Classification: Uncertain significance for Inborn genetic diseases. Last evaluated: 2021-07-09. Review status: criteria provided, single submitter. Criteria: Ambry Variant Classification Scheme 2023. Collection method: clinical testing. Allele origin: germline.

NM_002016.2(FLG):c.10817C>T (p.Ser3606Phe)

Genes: CCDST (cervical cancer associated DHX9 suppressive transcript; plus strand), FLG (filaggrin; minus strand). Cytogenetic location: 1q21.3.
Variant type: single nucleotide variant.
Coding change: c.10817C>T on transcript NM_002016.2 (MANE Select); coding-DNA position 10817, C replaced by T.
Protein change: p.Ser3606Phe; replaces serine 3606 with phenylalanine.
Molecular consequence: missense variant.
Genome position (GRCh38, 1-based): chr1:152,304,069, G>A on the plus strand (C>T on the coding strand, the complement: FLG is on the minus strand). VCF-style: chr1-152304069-G-A. GRCh37 (hg19) VCF-style: chr1-152276545-G-A.
Other names: short protein forms S3606F.
Identifiers: ClinVar variation 2366777 (VCV002366777.25), dbSNP rs141368651, ClinGen allele CA1103172.